The following is an entry in ClinVar:

ClinVar aggregate classification (germline): Likely benign. Review status: criteria provided, multiple submitters, no conflicts (2 of 4 stars). 2 submissions from 2 submitters: Likely benign (2). Last evaluated 2023-04-12.

Submissions (2):

Labcorp Genetics (formerly Invitae), Labcorp
Classification: Likely benign. Last evaluated: 2023-04-12. Review status: criteria provided, single submitter. Criteria: Invitae Variant Classification Sherloc (09022015). Collection method: clinical testing. Allele origin: germline.

GeneDx
Classification: Likely benign. Last evaluated: 2017-09-16. Review status: criteria provided, single submitter. Criteria: GeneDx Variant Classification (06012015). Collection method: clinical testing. Allele origin: germline. Affected: yes.
Comment: This variant is considered likely benign or benign based on one or more of the following criteria: it is a conservative change, it occurs at a poorly conserved position in the protein, it is predicted to be benign by multiple in silico algorithms, and/or has population frequency not consistent with disease.

NM_006231.4(POLE):c.1794+11_1794+12insA

Gene: POLE (DNA polymerase epsilon, catalytic subunit; minus strand). Cytogenetic location: 12q24.33.
Variant type: Insertion.
Coding change: c.1794+11_1794+12insA on transcript NM_006231.4 (MANE Select); bases 11 to 12 of the intron after coding-DNA position 1794, A inserted.
Molecular consequence: intron variant.
Genome position: GRCh38 VCF-style: chr12-132672203-C-CT. GRCh37 (hg19) VCF-style: chr12-133248789-C-CT.
Identifiers: ClinVar variation 512127 (VCV000512127.5), dbSNP rs1555228106, ClinGen allele CA658797993.